The following is an entry in ClinVar:

ClinVar aggregate classification (germline): Uncertain significance. Review status: criteria provided, multiple submitters, no conflicts (2 of 4 stars). 3 submissions from 3 submitters: Uncertain significance (3). Last evaluated 2023-12-18.

Conditions:
Hereditary cancer-predisposing syndrome. Also called: Hereditary Cancer Syndrome; Tumor predisposition; Hereditary neoplastic syndrome; Neoplastic Syndromes, Hereditary. Identifiers: Orphanet 140162, MedGen C0027672, MeSH D009386, MONDO:0015356.
Multiple endocrine neoplasia, type 2 (MEN2). Identifiers: Orphanet 653, MedGen C4048306, MONDO:0019003. Disease mechanism: gain of function.

Allele frequency attached by ClinVar (database versions not stated): TOPMed below 0.00001; gnomAD 0.00001.
gnomAD v4.1: 1 of 1,613,604 alleles (0.000062%); highest among the groups gnomAD compares: Non-Finnish European, 0.000085%; no homozygotes.

Submissions (3):

Ambry Genetics
Classification: Uncertain significance for Hereditary cancer-predisposing syndrome. Last evaluated: 2023-12-18. Review status: criteria provided, single submitter. Criteria: Ambry Variant Classification Scheme 2023. Collection method: clinical testing. Allele origin: germline.
Comment: The p.R749G variant (also known as c.2245A>G), located in coding exon 12 of the RET gene, results from an A to G substitution at nucleotide position 2245. The arginine at codon 749 is replaced by glycine, an amino acid with dissimilar properties. This amino acid position is poorly conserved in available vertebrate species. In addition, this alteration is predicted to be tolerated by in silico analysis. Since supporting evidence is limited at this time, the clinical significance of this alteration remains unclear.

All of Us Research Program, National Institutes of Health
Classification: Uncertain significance for Multiple endocrine neoplasia, type 2. Last evaluated: 2023-10-06. Review status: criteria provided, single submitter. Criteria: ACMG Guidelines, 2015. Collection method: clinical testing. Allele origin: germline. Inheritance: Autosomal dominant inheritance. Observed: 1 variant allele, 1 heterozygote.
Comment: This missense variant replaces arginine with glycine at codon 749 of the RET protein. Computational prediction suggests that this variant may not impact protein structure and function (internally defined REVEL score threshold <= 0.5, PMID: 27666373). To our knowledge, functional studies have not been reported for this variant. This variant has not been reported in individuals affected with RET-related disorders in the literature. This variant has not been identified in the general population by the Genome Aggregation Database (gnomAD). The available evidence is insufficient to determine the role of this variant in disease conclusively. Therefore, this variant is classified as a Variant of Uncertain Significance.

This study involves interpretation of variants in research participants for the purpose of population health screening. Participant phenotype was not available at the time of variant classification. Additional details can be found in publication PMID: 35346344, PMCID: PMC8962531

Labcorp Genetics (formerly Invitae), Labcorp
Classification: Uncertain significance for Multiple endocrine neoplasia, type 2. Last evaluated: 2022-08-22. Review status: criteria provided, single submitter. Criteria: Invitae Variant Classification Sherloc (09022015). Collection method: clinical testing. Allele origin: germline.
Comment: Algorithms developed to predict the effect of missense changes on protein structure and function (SIFT, PolyPhen-2, Align-GVGD) all suggest that this variant is likely to be tolerated. In summary, the available evidence is currently insufficient to determine the role of this variant in disease. Therefore, it has been classified as a Variant of Uncertain Significance. ClinVar contains an entry for this variant (Variation ID: 1040791). This variant has not been reported in the literature in individuals affected with RET-related conditions. This variant is not present in population databases (gnomAD no frequency). This sequence change replaces arginine, which is basic and polar, with glycine, which is neutral and non-polar, at codon 749 of the RET protein (p.Arg749Gly).

NM_020975.6(RET):c.2245A>G (p.Arg749Gly)

Gene: RET (ret proto-oncogene; plus strand). Cytogenetic location: 10q11.21.
Variant type: single nucleotide variant.
Coding change: c.2245A>G on transcript NM_020975.6 (MANE Select); coding-DNA position 2245, A replaced by G.
Protein change: p.Arg749Gly; replaces arginine 749 with glycine.
Molecular consequence: missense variant.
Genome position (GRCh38, 1-based): chr10:43,116,692, A>G. VCF-style: chr10-43116692-A-G. GRCh37 (hg19) VCF-style: chr10-43612140-A-G.
Other names: c.2245A>G, p.Arg749Gly (NM_000323.2, NM_001406743.1, NM_001406744.1 and 4 more transcripts); c.1483A>G, p.Arg495Gly (NM_001355216.2); c.2116A>G, p.Arg706Gly (NM_001406761.1, NM_001406762.1, NM_001406764.1); c.2110A>G, p.Arg704Gly (NM_001406763.1, NM_001406765.1); c.1957A>G, p.Arg653Gly (NM_001406766.1, NM_001406767.1, NM_001406770.1); c.1981A>G, p.Arg661Gly (NM_001406768.1); c.1849A>G, p.Arg617Gly (NM_001406769.1, NM_001406772.1); c.1807A>G, p.Arg603Gly (NM_001406771.1, NM_001406773.1); and 10 more; short protein forms R749G, R495G, R354G, R450G, R653G, R266G, R405G, R410G.
Identifiers: ClinVar variation 1040791 (VCV001040791.13), dbSNP rs1210164099, ClinGen allele CA376554724.
Genomic context (GRCh38, chr10:43,116,692, plus strand): 5'-ACTCTAGGAGAAGGCGAATTTGGAAAAGTGGTCAAGGCAACGGCCTTCCATCTGAAAGGC[A>G]GAGCAGGGTACACCACGGTGGCCGTGAAGATGCTGAAAGGTACCTGCCAGGCACAGGCAC-3'
Protein context (NP_066124.1, residues 739-759): VKATAFHLKG[Arg749Gly]AGYTTVAVKM